The following is an entry in ClinVar:

ClinVar aggregate classification (germline): Pathogenic/Likely pathogenic. Review status: criteria provided, multiple submitters, no conflicts (2 of 4 stars). 3 submissions from 3 submitters: Pathogenic (2); Likely pathogenic (1). Last evaluated 2022-07-19.

Conditions:
SCN1A-related disorder. Also called: SCN1A-related disorders; SCN1A-related conditions; SCN1A-related condition.
Severe myoclonic epilepsy in infancy (DRVT). Also called: Severe Myoclonic Epilepsy in Infancy (SMEI); Epileptic encephalopathy, early infantile, 6 (Dravet syndrome); SEVERE MYOCLONIC EPILEPSY OF INFANCY; DEVELOPMENTAL AND EPILEPTIC ENCEPHALOPATHY 6A; Dravet syndrome. Identifiers: Orphanet 33069, MedGen C0751122, MONDO:0100135, OMIM 607208.
Early-infantile DEE. Also called: Early infantile epileptic encephalopathy with suppression bursts; Ohtahara syndrome; Early infantile epileptic encephalopathy. Identifiers: Orphanet 1934, MedGen C0393706, MONDO:0800491.

Submissions (3):

Labcorp Genetics (formerly Invitae), Labcorp
Classification: Pathogenic for Early-infantile DEE. Last evaluated: 2022-07-19. Review status: criteria provided, single submitter. Criteria: Invitae Variant Classification Sherloc (09022015). Collection method: clinical testing. Allele origin: germline.
Comment: For these reasons, this variant has been classified as Pathogenic. This variant disrupts the p.Tyr1684 amino acid residue in SCN1A. Other variant(s) that disrupt this residue have been observed in individuals with SCN1A-related conditions (PMID: 21248271), which suggests that this may be a clinically significant amino acid residue. Advanced modeling of protein sequence and biophysical properties (such as structural, functional, and spatial information, amino acid conservation, physicochemical variation, residue mobility, and thermodynamic stability) performed at Invitae indicates that this missense variant is expected to disrupt SCN1A protein function. ClinVar contains an entry for this variant (Variation ID: 942302). This missense change has been observed in individual(s) with clinical features of SCN1A-related conditions (PMID: 14738421; Invitae). In at least one individual the variant was observed to be de novo. This variant is not present in population databases (gnomAD no frequency). This sequence change replaces tyrosine, which is neutral and polar, with cysteine, which is neutral and slightly polar, at codon 1684 of the SCN1A protein (p.Tyr1684Cys).

Blueprint Genetics
Classification: Likely pathogenic for SCN1A-related disorders. Last evaluated: 2020-02-13. Review status: criteria provided, single submitter. Criteria: ACMG Guidelines, 2015. Collection method: clinical testing. Allele origin: germline. Affected: yes. Observed: 2 variant alleles.

Center for Human Genetics and Genomic Medicine, Uniklinik Rwth Aachen
Classification: Pathogenic for Severe myoclonic epilepsy in infancy. Review status: criteria provided, single submitter. Criteria: ACMG Guidelines, 2015. Collection method: clinical testing. Allele origin: de novo. Inheritance: Autosomal dominant inheritance. Affected: yes.
Comment: The detected variant is not present in gnomAD. In literature, the variant has been reported in individuals with SCN1A associated epilepsy (PMID: 14738421, PMID 34226156). Bioinformatic prediction tools anticipate a deleterious effect, the variant was ranked pathogenic (ACMG: PS1, PS2, PM2, PP3).

Literature cited by the submitters: PubMed 21248271 (cited by Labcorp Genetics (formerly Invitae), Labcorp); PubMed 14738421 (cited by Labcorp Genetics (formerly Invitae), Labcorp).

NM_001165963.4(SCN1A):c.5051A>G (p.Tyr1684Cys)

Genes: SCN1A (sodium voltage-gated channel alpha subunit 1; minus strand), LOC102724058 (uncharacterized LOC102724058; plus strand). Cytogenetic location: 2q24.3.
Variant type: single nucleotide variant.
Coding change: c.5051A>G on transcript NM_001165963.4 (MANE Select); coding-DNA position 5051, A replaced by G.
Protein change: p.Tyr1684Cys; replaces tyrosine 1684 with cysteine.
Molecular consequence: missense variant. On other transcripts: non-coding transcript variant (1).
Genome position (GRCh38, 1-based): chr2:165,992,224, T>C on the plus strand (A>G on the coding strand, the complement: SCN1A is on the minus strand). VCF-style: chr2-165992224-T-C. GRCh37 (hg19) VCF-style: chr2-166848734-T-C.
Other names: c.4967A>G, p.Tyr1656Cys (NM_001165964.3, NM_001353957.2, NM_001353958.2); c.5051A>G, p.Tyr1684Cys (NM_001202435.3, NM_001353948.2); c.5018A>G, p.Tyr1673Cys (NM_001353949.2, NM_001353950.2, NM_001353951.2 and 2 more transcripts); c.5015A>G, p.Tyr1672Cys (NM_001353954.2, NM_001353955.2); c.4964A>G, p.Tyr1655Cys (NM_001353960.2); c.2609A>G, p.Tyr870Cys (NM_001353961.2); short protein forms Y1655C, Y1656C, Y1672C, Y1684C, Y870C, Y1673C.
Identifiers: ClinVar variation 942302 (VCV000942302.12), dbSNP rs1689321394, ClinGen allele CA349069478.